The following is an entry in ClinVar:

ClinVar aggregate classification (germline): Uncertain significance (1 of 4 stars; one submission).

Conditions:
COL6A3-related disorder. Also called: COL6A3-related condition; COL6A3-related disorders.

Submission:

PreventionGenetics, part of Exact Sciences
Classification: Uncertain significance for COL6A3-related condition. Last evaluated: 2023-08-25. Review status: criteria provided, single submitter. Criteria: ACMG Guidelines, 2015. Collection method: clinical testing. Allele origin: germline.
Comment: The COL6A3 c.46T>A variant is predicted to result in the amino acid substitution p.Phe16Ile. To our knowledge, this variant has not been reported in the literature or in a large population database, indicating this variant is rare. At this time, the clinical significance of this variant is uncertain due to the absence of conclusive functional and genetic evidence.

NM_004369.4(COL6A3):c.46T>A (p.Phe16Ile)

Gene: COL6A3 (collagen type VI alpha 3 chain; minus strand). Cytogenetic location: 2q37.3.
Variant type: single nucleotide variant.
Coding change: c.46T>A on transcript NM_004369.4 (MANE Select); coding-DNA position 46, T replaced by A.
Protein change: p.Phe16Ile; replaces phenylalanine 16 with isoleucine.
Molecular consequence: missense variant.
Genome position (GRCh38, 1-based): chr2:237,396,772, A>T on the plus strand (T>A on the coding strand, the complement: COL6A3 is on the minus strand). VCF-style: chr2-237396772-A-T. GRCh37 (hg19) VCF-style: chr2-238305415-A-T.
Other names: c.46T>A, p.Phe16Ile (NM_057164.5, NM_057165.5, NM_057166.5 and 1 more transcripts); short protein forms F16I.
Identifiers: ClinVar variation 2629709 (VCV002629709.1), dbSNP rs2469981301, ClinGen allele CA351229233.